The following is an entry in ClinVar:

ClinVar aggregate classification (germline): Likely pathogenic (1 of 4 stars; one submission).

Allele frequency attached by ClinVar (database versions not stated): TOPMed below 0.00001; gnomAD 0.00001.

Submission:

Labcorp Genetics (formerly Invitae), Labcorp
Classification: Likely pathogenic. Last evaluated: 2023-05-19. Review status: criteria provided, single submitter. Criteria: Invitae Variant Classification Sherloc (09022015). Collection method: clinical testing. Allele origin: germline.
Comment: In summary, the currently available evidence indicates that the variant is pathogenic, but additional data are needed to prove that conclusively. Therefore, this variant has been classified as Likely Pathogenic. Algorithms developed to predict the effect of sequence changes on RNA splicing suggest that this variant may disrupt the consensus splice site. This variant has not been reported in the literature in individuals affected with MRPS34-related conditions. The frequency data for this variant in the population databases is considered unreliable, as metrics indicate poor data quality at this position in the gnomAD database. This sequence change affects an acceptor splice site in intron 1 of the MRPS34 gene. It is expected to disrupt RNA splicing. Variants that disrupt the donor or acceptor splice site typically lead to a loss of protein function (PMID: 16199547), and loss-of-function variants in MRPS34 are known to be pathogenic (PMID: 28777931).

Literature cited by the submitters: PubMed 16199547; PubMed 28777931.

NM_023936.2(MRPS34):c.322-1G>A

Gene: MRPS34 (mitochondrial ribosomal protein S34; minus strand). Cytogenetic location: 16p13.3.
Variant type: single nucleotide variant.
Coding change: c.322-1G>A on transcript NM_023936.2 (MANE Select); the canonical splice acceptor site of the intron before coding-DNA position 322, G replaced by A.
Molecular consequence: splice acceptor variant.
Genome position (GRCh38, 1-based): chr16:1,772,647, C>T on the plus strand (G>A on the coding strand, the complement: MRPS34 is on the minus strand). VCF-style: chr16-1772647-C-T. GRCh37 (hg19) VCF-style: chr16-1822648-C-T.
Other names: c.322-1G>A (NM_001300900.2).
Identifiers: ClinVar variation 3012930 (VCV003012930.3), dbSNP rs1228889026, ClinGen allele CA394243521.